The following is an entry in ClinVar:

ClinVar aggregate classification (germline): Pathogenic/Likely pathogenic. Review status: criteria provided, multiple submitters, no conflicts (2 of 4 stars). 6 submissions from 5 submitters: Pathogenic (4); Likely pathogenic (1). 1 of the submissions does not count toward it. Last evaluated 2023-05-01.

Conditions:
Hereditary cancer-predisposing syndrome. Also called: Hereditary neoplastic syndrome; Hereditary Cancer Syndrome; Tumor predisposition; Neoplastic Syndromes, Hereditary. Identifiers: Orphanet 140162, MedGen C0027672, MeSH D009386, MONDO:0015356.
Familial adenomatous polyposis 1 (FAP1). Also called: FAMILIAL ADENOMATOUS POLYPOSIS 1, ATTENUATED; POLYPOSIS, ADENOMATOUS INTESTINAL. Identifiers: MedGen C2713442, MONDO:0021056, OMIM 175100. Disease mechanism: loss of function.
Desmoid disease, hereditary (DESMD). Also called: FIBROMATOSIS, FAMILIAL INFILTRATIVE. Identifiers: Orphanet 873, MedGen C1851124, OMIM 135290. Disease mechanism: loss of function.
Carcinoma of colon (CRC). Also called: Colon carcinoma; Colonic carcinoma. Identifiers: MedGen C0699790, MONDO:0002032.

Submissions (6):

Myriad Genetics, Inc.
Classification: Pathogenic for Familial adenomatous polyposis 1. Last evaluated: 2023-05-01. Review status: criteria provided, single submitter. Criteria: Myriad Autosomal Dominant, Autosomal Recessive and X-Linked Classification Criteria (2023). Collection method: clinical testing. Allele origin: unknown.
Comment: This variant is considered pathogenic. This variant creates a frameshift predicted to result in premature protein truncation.

GeneDx
Classification: Likely pathogenic. Last evaluated: 2022-10-13. Review status: criteria provided, single submitter. Criteria: GeneDx Variant Classification Process June 2021. Collection method: clinical testing. Allele origin: germline. Affected: yes.
Comment: Frameshift variant predicted to result in protein truncation or nonsense mediated decay in a gene for which loss of function is a known mechanism of disease; Not observed at significant frequency in large population cohorts (gnomAD); Has not been previously published as pathogenic or benign to our knowledge

Labcorp Genetics (formerly Invitae), Labcorp
Classification: Pathogenic for Familial adenomatous polyposis 1. Last evaluated: 2017-11-11. Review status: criteria provided, single submitter. Criteria: Invitae Variant Classification Sherloc (09022015). Collection method: clinical testing. Allele origin: germline.
Comment: For these reasons, this variant has been classified as Pathogenic. Loss-of-function variants in APC are known to be pathogenic (PMID: 17963004, 20685668). This variant has not been reported in the literature in individuals with APC-related disease. ClinVar contains an entry for this variant (Variation ID: 433619). This variant is not present in population databases (ExAC no frequency). This sequence change creates a premature translational stop signal (p.Leu453Phefs*2) in the APC gene. It is expected to result in an absent or disrupted protein product.

Ambry Genetics
Classification: Pathogenic for Hereditary cancer-predisposing syndrome. Last evaluated: 2016-04-13. Review status: criteria provided, single submitter. Criteria: Ambry Variant Classification Scheme 2023. Collection method: clinical testing. Allele origin: germline.
Comment: The c.1354_1355dupGT pathogenic mutation, located in coding exon 10 of the APC gene, results from a duplication of GT at nucleotide position 1354, causing a translational frameshift with a predicted alternate stop codon. Since frameshifts are typically deleterious in nature, this alteration is interpreted as a disease-causing mutation (ACMG Recommendations for Standards for Interpretation and Reporting of Sequence Variations. Revision 2007. Genet Med. 2008;10:294).

Department of Pathology and Laboratory Medicine, Sinai Health System
Classification: Pathogenic for Familial adenomatous polyposis 1; Desmoid disease, hereditary. Last evaluated: 2014-08-01. Review status: criteria provided, single submitter. Criteria: ACMG Guidelines, 2015. Collection method: clinical testing. Allele origin: germline. Affected: yes.

Department of Pathology and Laboratory Medicine, Sinai Health System
Classification: Pathogenic for Carcinoma of colon. Review status: no assertion criteria provided. Collection method: clinical testing. Allele origin: unknown. Affected: yes. Study: The Canadian Open Genetics Repository (COGR). Not counted in ClinVar's aggregate classification.
Comment: The APC p.Leu453PhefsX2 variant was not identified in the literature nor was it identified in the dbSNP, 1000 Genomes Project, NHLBI Exome Sequencing Project (Exome Variant Server), HGMD, COSMIC, MutDB, â€šÃ„ÃºMismatch Repair Genes Variant Databaseâ€šÃ„Ã¹, â€šÃ„ÃºMMR Gene Unclassified Variants Databaseâ€šÃ„Ã¹, â€šÃ„ÃºInSiGHT Colon Cancer Databaseâ€šÃ„Ã¹, â€šÃ„ÃºZhejiang Colon Cancer Databaseâ€šÃ„Ã¹, ClinVar database, or UMD databases. The p.Leu453PhefsX2 duplication variant is predicted to cause a frameshift, which alters the protein's amino acid sequence beginning at codon 1354 and leads to a premature stop codon 2 codons downstream. This alteration is then predicted to result in a truncated or absent protein and loss of function. Loss of function variants of the APC gene are an established mechanism of disease in familial adenomatous polyposis and is the type of variant expected to cause the disorder. In summary, based on the above information, this variant meets our laboratoryâ€šÃ„Ã´s criteria to be classified as pathogenic.

Literature cited by the submitters: PubMed 17963004 (cited by Labcorp Genetics (formerly Invitae), Labcorp); PubMed 20685668 (cited by Labcorp Genetics (formerly Invitae), Labcorp).

NM_000038.6(APC):c.1354_1355dup (p.Leu453fs)

Gene: APC (APC regulator of Wnt signaling pathway; plus strand). Cytogenetic location: 5q22.2.
Variant type: Microsatellite.
Coding change: c.1354_1355dup on transcript NM_000038.6 (MANE Select); coding-DNA positions 1354 to 1355, 2 bases duplicated (GT; older notation c.1354_1355dupGT).
Protein change: p.Leu453fs; shifts the reading frame from leucine 453.
Molecular consequence: frameshift variant.
Genome position (GRCh38, 1-based): chr5:112,821,937-112,821,938, GT duplicated; duplicating any 2 consecutive bases within chr5:112,821,930-112,821,938 gives the same sequence; the c. name uses the placement nearest the transcript's 3' end. VCF-style (leftmost placement, unchanged base first): chr5-112821929-C-CTG. GRCh37 (hg19) VCF-style: chr5-112157626-C-CTG.
Other names: c.1354_1355dupGT (NM_000038.5); c.1354_1355dup, p.Leu453fs (NM_001127510.3, NM_001354895.2, NM_001354896.2); c.1300_1301dup, p.Leu435fs (NM_001127511.3); c.1384_1385dup, p.Leu463fs (NM_001354897.2); c.1279_1280dup, p.Leu428fs (NM_001354898.2); c.1270_1271dup, p.Leu425fs (NM_001354899.2); c.1177_1178dup, p.Leu394fs (NM_001354900.2, NM_001354901.2); c.1081_1082dup, p.Leu362fs (NM_001354902.2); and 4 more; short protein forms L293fs, L428fs, L170fs, L327fs, L425fs, L352fs, L394fs, L362fs.
Identifiers: ClinVar variation 433619 (VCV000433619.15), dbSNP rs1554080698, ClinGen allele CA645372418.